The following is an entry in ClinVar:

ClinVar aggregate classification (germline): Likely benign (1 of 4 stars; one submission).

gnomAD v4.1: 13 of 1,208,714 alleles (0.0011%); highest among the groups gnomAD compares: Admixed American, 0.011%; no homozygotes.

Submission:

CeGaT Center for Human Genetics Tuebingen
Classification: Likely benign. Last evaluated: 2026-09-01. Review status: criteria provided, single submitter. Criteria: CeGaT Center For Human Genetics Tuebingen Variant Classification Criteria Version 2. Collection method: clinical testing. Allele origin: germline. Affected: yes. Observed: 1 variant allele.
Comment: ZMYM3: BP4, BP7, BS2

NM_201599.3(ZMYM3):c.3864C>T (p.Asn1288=)

Gene: ZMYM3 (zinc finger MYM-type containing 3; minus strand). Cytogenetic location: Xq13.1.
Variant type: single nucleotide variant.
Coding change: c.3864C>T on transcript NM_201599.3 (MANE Select); coding-DNA position 3864, C replaced by T.
Protein change: p.Asn1288=; no amino-acid change (asparagine 1288 retained).
Molecular consequence: synonymous variant.
Genome position (GRCh38, 1-based): chrX:71,241,283, G>A on the plus strand (C>T on the coding strand, the complement: ZMYM3 is on the minus strand). VCF-style: chrX-71241283-G-A. GRCh37 (hg19) VCF-style: chrX-70461133-G-A.
Other names: c.3828C>T, p.Asn1276= (NM_001171162.1); c.3864C>T, p.Asn1288= (NM_005096.3).
Identifiers: ClinVar variation 5041464 (VCV005041464.1).